The following is an entry in ClinVar:

NM_000038.6(APC):c.8006C>G (p.Pro2669Arg)

Gene: APC (APC regulator of Wnt signaling pathway; plus strand). Cytogenetic location: 5q22.2.
Variant type: single nucleotide variant.
Coding change: c.8006C>G on transcript NM_000038.6 (MANE Select); coding-DNA position 8006, C replaced by G.
Protein change: p.Pro2669Arg; replaces proline 2669 with arginine.
Molecular consequence: missense variant.
Genome position (GRCh38, 1-based): chr5:112,843,600, C>G. VCF-style: chr5-112843600-C-G. GRCh37 (hg19) VCF-style: chr5-112179297-C-G.
Other names: c.8006C>G, p.Pro2669Arg (NM_001127510.3, NM_001354895.2); c.7952C>G, p.Pro2651Arg (NM_001127511.3); c.8060C>G, p.Pro2687Arg (NM_001354896.2); c.8036C>G, p.Pro2679Arg (NM_001354897.2); c.7931C>G, p.Pro2644Arg (NM_001354898.2); c.7922C>G, p.Pro2641Arg (NM_001354899.2); c.7883C>G, p.Pro2628Arg (NM_001354900.2); c.7829C>G, p.Pro2610Arg (NM_001354901.2); and 5 more; short protein forms P2651R, P2669R, P2543R, P2687R, P2386R, P2641R, P2679R, P2610R.
Identifiers: ClinVar variation 486790 (VCV000486790.27), dbSNP rs1335624903, ClinGen allele CA16038725.

ClinVar aggregate classification (germline): Uncertain significance. Review status: criteria provided, multiple submitters, no conflicts (2 of 4 stars). 7 submissions from 7 submitters: Uncertain significance (6). 1 of the submissions does not count toward it. Last evaluated 2025-08-07.

Conditions:
Classic or attenuated familial adenomatous polyposis. Identifiers: MedGen CN372698, MONDO:0021057.
Hereditary cancer-predisposing syndrome. Also called: Tumor predisposition; Hereditary Cancer Syndrome; Hereditary neoplastic syndrome; Neoplastic Syndromes, Hereditary. Identifiers: Orphanet 140162, MedGen C0027672, MeSH D009386, MONDO:0015356.
APC-related disorder. Also called: APC-related condition.
Familial adenomatous polyposis 1 (FAP1). Also called: FAMILIAL ADENOMATOUS POLYPOSIS 1, ATTENUATED; POLYPOSIS, ADENOMATOUS INTESTINAL. Identifiers: MedGen C2713442, MONDO:0021056, OMIM 175100. Disease mechanism: loss of function.

Allele frequency attached by ClinVar (database versions not stated): gnomAD exomes below 0.00001.
gnomAD v4.1: 4 of 1,613,938 alleles (0.00025%); highest among the groups gnomAD compares: East Asian, 0.0022%; no homozygotes.

Submissions (7):

Labcorp Genetics (formerly Invitae), Labcorp
Classification: Uncertain significance for Familial adenomatous polyposis 1. Last evaluated: 2025-08-07. Review status: criteria provided, single submitter. Criteria: Invitae Variant Classification Sherloc (09022015). Collection method: clinical testing. Allele origin: germline.
Comment: This sequence change replaces proline, which is neutral and non-polar, with arginine, which is basic and polar, at codon 2669 of the APC protein (p.Pro2669Arg). This variant is not present in population databases (gnomAD no frequency). This variant has not been reported in the literature in individuals affected with APC-related conditions. ClinVar contains an entry for this variant (Variation ID: 486790). Invitae Evidence Modeling of protein sequence and biophysical properties (such as structural, functional, and spatial information, amino acid conservation, physicochemical variation, residue mobility, and thermodynamic stability) indicates that this missense variant is not expected to disrupt APC protein function with a negative predictive value of 95%. In summary, the available evidence is currently insufficient to determine the role of this variant in disease. Therefore, it has been classified as a Variant of Uncertain Significance.

Color Diagnostics, LLC DBA Color Health
Classification: Uncertain significance for Hereditary cancer-predisposing syndrome. Last evaluated: 2025-06-02. Review status: criteria provided, single submitter. Criteria: ACMG Guidelines, 2015. Collection method: clinical testing. Allele origin: germline.
Comment: This missense variant replaces proline with arginine at codon 2669 of the APC protein. Computational prediction suggests that this variant may not impact protein structure and function. To our knowledge, functional studies have not been reported for this variant. This variant has not been reported in individuals affected with APC-related disorders in the literature. This variant has not been identified in the general population by the Genome Aggregation Database (gnomAD). The available evidence is insufficient to determine the role of this variant in disease conclusively. Therefore, this variant is classified as a Variant of Uncertain Significance.

Ambry Genetics
Classification: Uncertain significance for Hereditary cancer-predisposing syndrome. Last evaluated: 2025-04-03. Review status: criteria provided, single submitter. Criteria: Ambry Variant Classification Scheme 2023. Collection method: clinical testing. Allele origin: germline.
Comment: The p.P2669R variant (also known as c.8006C>G), located in coding exon 15 of the APC gene, results from a C to G substitution at nucleotide position 8006. The proline at codon 2669 is replaced by arginine, an amino acid with dissimilar properties. This amino acid position is highly conserved in available vertebrate species. In addition, in silico predictors for this gene do not accurately predict pathogenicity. Since supporting evidence is limited at this time, the clinical significance of this alteration remains unclear.

Baylor Genetics
Classification: Uncertain significance for Familial adenomatous polyposis 1. Last evaluated: 2023-09-18. Review status: criteria provided, single submitter. Criteria: ACMG Guidelines, 2015. Collection method: clinical testing. Allele origin: unknown.

Women's Health and Genetics/Laboratory Corporation of America, LabCorp
Classification: Uncertain significance. Last evaluated: 2023-05-22. Review status: criteria provided, single submitter. Criteria: LabCorp Variant Classification Summary - May 2015. Collection method: clinical testing. Allele origin: germline.

All of Us Research Program, National Institutes of Health
Classification: Uncertain significance for Classic or attenuated familial adenomatous polyposis. Last evaluated: 2023-02-24. Review status: criteria provided, single submitter. Criteria: ACMG Guidelines, 2015. Collection method: clinical testing. Allele origin: germline. Inheritance: Autosomal dominant inheritance. Observed: 1 variant allele, 1 heterozygote.
Comment: This missense variant replaces proline with arginine at codon 2669 of the APC protein. Computational prediction suggests that this variant may not impact protein structure and function (internally defined REVEL score threshold <= 0.5, PMID: 27666373). To our knowledge, functional studies have not been reported for this variant. This variant has not been reported in individuals affected with APC-related disorders in the literature. This variant has not been identified in the general population by the Genome Aggregation Database (gnomAD). The available evidence is insufficient to determine the role of this variant in disease conclusively. Therefore, this variant is classified as a Variant of Uncertain Significance.

This study involves interpretation of variants in research participants for the purpose of population health screening. Participant phenotype was not available at the time of variant classification. Additional details can be found in publication PMID: 35346344, PMCID: PMC8962531

PreventionGenetics, part of Exact Sciences
Classification: Uncertain significance for APC-related condition. Last evaluated: 2024-06-05. Review status: no assertion criteria provided. Collection method: clinical testing. Allele origin: germline. Not counted in ClinVar's aggregate classification.
Comment: The APC c.8006C>G variant is predicted to result in the amino acid substitution p.Pro2669Arg. To our knowledge, this variant has not been reported in the literature or in a large population database, indicating this variant is rare. This variant is interpreted as uncertain significance in ClinVar. At this time, the clinical significance of this variant is uncertain due to the absence of conclusive functional and genetic evidence.